The following is an entry in ClinVar:

NM_002180.3(IGHMBP2):c.1923G>A (p.Glu641=)

Gene: IGHMBP2 (immunoglobulin mu DNA binding protein 2; plus strand). Cytogenetic location: 11q13.3.
Variant type: single nucleotide variant.
Coding change: c.1923G>A on transcript NM_002180.3 (MANE Select); coding-DNA position 1923, G replaced by A.
Protein change: p.Glu641=; no amino-acid change (glutamic acid 641 retained).
Molecular consequence: synonymous variant.
Genome position (GRCh38, 1-based): chr11:68,936,403, G>A. VCF-style: chr11-68936403-G-A. GRCh37 (hg19) VCF-style: chr11-68703871-G-A.
Identifiers: ClinVar variation 511434 (VCV000511434.8), dbSNP rs1555247971, ClinGen allele CA475204398.
Genomic context (GRCh38, chr11:68,936,403, plus strand): 5'-ATTTTTGAAGACCCTGGTGGAGTATTTCACACAGCATGGGGAAGTACGCACGGCCTTTGA[G>A]TATCTTGACGATATTGTCCCAGAAAACTATTCCCATGAGAACTCCCAGGGTTCCAGCCAC-3'
Protein context (NP_002171.2, residues 631-651): TQHGEVRTAF[Glu641=]YLDDIVPENY

ClinVar aggregate classification (germline): Likely benign. Review status: criteria provided, multiple submitters, no conflicts (2 of 4 stars). 3 submissions from 3 submitters: Likely benign (3). Last evaluated 2023-11-20.

Conditions:
Charcot-Marie-Tooth disease axonal type 2S. Also called: CHARCOT-MARIE-TOOTH NEUROPATHY, TYPE 2S; CHARCOT-MARIE-TOOTH DISEASE, AXONAL, AUTOSOMAL RECESSIVE, TYPE 2S. Identifiers: Orphanet 443073, MedGen C4015349, MONDO:0014511, OMIM 616155.
Autosomal recessive distal spinal muscular atrophy 1. Also called: HMN VI; NEURONOPATHY, SEVERE INFANTILE AXONAL, WITH RESPIRATORY FAILURE; SEVERE INFANTILE AXONAL NEUROPATHY WITH RESPIRATORY FAILURE; SPINAL MUSCULAR ATROPHY, DIAPHRAGMATIC; Spinal muscular atrophy with respiratory distress 1; NEURONOPATHY, DISTAL HEREDITARY MOTOR, HARDING TYPE VI. Identifiers: Orphanet 98920, MedGen C1858517, MONDO:0011436, OMIM 604320.
Inborn genetic diseases. Identifiers: MedGen C0950123, MeSH D030342.

Submissions (3):

Labcorp Genetics (formerly Invitae), Labcorp
Classification: Likely benign for Autosomal recessive distal spinal muscular atrophy 1; Charcot-Marie-Tooth disease axonal type 2S. Last evaluated: 2023-11-20. Review status: criteria provided, single submitter. Criteria: Invitae Variant Classification Sherloc (09022015). Collection method: clinical testing. Allele origin: germline.

Ambry Genetics
Classification: Likely benign for Inborn genetic diseases. Last evaluated: 2019-07-11. Review status: criteria provided, single submitter. Criteria: Ambry Variant Classification Scheme 2023. Collection method: clinical testing. Allele origin: germline.

GeneDx
Classification: Likely benign. Last evaluated: 2017-08-14. Review status: criteria provided, single submitter. Criteria: GeneDx Variant Classification (06012015). Collection method: clinical testing. Allele origin: germline. Affected: yes.
Comment: This variant is considered likely benign or benign based on one or more of the following criteria: it is a conservative change, it occurs at a poorly conserved position in the protein, it is predicted to be benign by multiple in silico algorithms, and/or has population frequency not consistent with disease.